The following is an entry in ClinVar:

ClinVar aggregate classification (germline): Uncertain significance (1 of 4 stars; one submission).

Conditions:
Isolated microphthalmia 8. Identifiers: Orphanet 2542, MedGen C3554524, MONDO:0014050, OMIM 615113.

Submission:

Labcorp Genetics (formerly Invitae), Labcorp
Classification: Uncertain significance for Isolated microphthalmia 8. Last evaluated: 2019-02-14. Review status: criteria provided, single submitter. Criteria: Invitae Variant Classification Sherloc (09022015). Collection method: clinical testing. Allele origin: germline.
Comment: In summary, the available evidence is currently insufficient to determine the role of this variant in disease. Therefore, it has been classified as a Variant of Uncertain Significance. Experimental studies and prediction algorithms are not available for this variant, and the functional significance of the affected amino acid(s) is currently unknown. This variant has not been reported in the literature in individuals with ALDH1A3-related conditions. This variant results in a copy number gain of the genomic region encompassing the full coding sequence of the ALDH1A3 gene. The boundaries of this event are unknown as they extend beyond the assayed region for this gene and therefore may encompass additional genes. As the precise location of this event is unknown, it may be in tandem or it may be located elsewhere in the genome.

NC_000015.9:g.(?_101420093)_(101454998_?)dup

Genes: ALDH1A3 (aldehyde dehydrogenase 1 family member A3; plus strand), ALDH1A3-AS1 (ALDH1A3 antisense RNA 1; minus strand). Cytogenetic location: 15q26.3.
Variant type: Duplication.
Identifiers: ClinVar variation 652391 (VCV000652391.6).